The following is an entry in ClinVar:

NM_000431.4(MVK):c.653A>C (p.Gln218Pro)

Gene: MVK (mevalonate kinase; plus strand). Cytogenetic location: 12q24.11.
Variant type: single nucleotide variant.
Coding change: c.653A>C on transcript NM_000431.4 (MANE Select); coding-DNA position 653, A replaced by C.
Protein change: p.Gln218Pro; replaces glutamine 218 with proline.
Molecular consequence: missense variant.
Genome position (GRCh38, 1-based): chr12:109,586,775, A>C. VCF-style: chr12-109586775-A-C. GRCh37 (hg19) VCF-style: chr12-110024580-A-C.
Other names: c.653A>C, p.Gln218Pro (NM_001114185.3); c.497A>C, p.Gln166Pro (NM_001301182.2); short protein forms Q166P, Q218P.
Identifiers: ClinVar variation 1059623 (VCV001059623.9), dbSNP rs2136238122, ClinGen allele CA386648256.

ClinVar aggregate classification (germline): Uncertain significance (1 of 4 stars; one submission).

Conditions:
Mevalonic aciduria (MEVA). Identifiers: Orphanet 29, MedGen C1959626, MONDO:0012481, OMIM 610377.
Porokeratosis 3, disseminated superficial actinic type (POROK3). Also called: POROKERATOSIS 3, MULTIPLE TYPES; POROKERATOSIS 3, MIBELLI TYPE; POROKERATOSIS, DISSEMINATED SUPERFICIAL ACTINIC, 1. Identifiers: MedGen C1867981, MONDO:0008293, OMIM 175900.
Hyperimmunoglobulin D with periodic fever (HIDS). Also called: Hyperimmunoglobulinemia D with periodic fever; Hyperimmunoglobulinemia D; HYPERIMMUNOGLOBULINEMIA D AND PERIODIC FEVER SYNDROME. Identifiers: Orphanet 343, MedGen C0398691, MONDO:0009849, OMIM 260920.

Submission:

Labcorp Genetics (formerly Invitae), Labcorp
Classification: Uncertain significance for Mevalonic aciduria; Hyperimmunoglobulin D with periodic fever; Porokeratosis 3, disseminated superficial actinic type. Last evaluated: 2022-10-08. Review status: criteria provided, single submitter. Criteria: Invitae Variant Classification Sherloc (09022015). Collection method: clinical testing. Allele origin: germline.
Comment: This variant has not been reported in the literature in individuals affected with MVK-related conditions. This variant is not present in population databases (gnomAD no frequency). This sequence change replaces glutamine, which is neutral and polar, with proline, which is neutral and non-polar, at codon 218 of the MVK protein (p.Gln218Pro). In summary, the available evidence is currently insufficient to determine the role of this variant in disease. Therefore, it has been classified as a Variant of Uncertain Significance. Algorithms developed to predict the effect of sequence changes on RNA splicing suggest that this variant may create or strengthen a splice site. Advanced modeling of protein sequence and biophysical properties (such as structural, functional, and spatial information, amino acid conservation, physicochemical variation, residue mobility, and thermodynamic stability) performed at Invitae indicates that this missense variant is not expected to disrupt MVK protein function. ClinVar contains an entry for this variant (Variation ID: 1059623).